The following is an entry in ClinVar:

ClinVar aggregate classification (germline): Uncertain significance (1 of 4 stars; one submission).

gnomAD v4.1: 1 of 1,612,826 alleles (0.000062%); highest among the groups gnomAD compares: Non-Finnish European, 0.000085%; no homozygotes.

Submission:

CeGaT Center for Human Genetics Tuebingen
Classification: Uncertain significance. Last evaluated: 2025-01-01. Review status: criteria provided, single submitter. Criteria: CeGaT Center For Human Genetics Tuebingen Variant Classification Criteria Version 2. Collection method: clinical testing. Allele origin: germline. Affected: yes. Observed: 1 variant allele.
Comment: DENND5B: PM2

NM_144973.4(DENND5B):c.3564C>A (p.Tyr1188Ter)

Gene: DENND5B (DENN domain containing 5B; minus strand). Cytogenetic location: 12p11.21.
Variant type: single nucleotide variant.
Coding change: c.3564C>A on transcript NM_144973.4 (MANE Select); coding-DNA position 3564, C replaced by A.
Protein change: p.Tyr1188Ter; replaces tyrosine 1188 with a stop codon.
Molecular consequence: nonsense.
Genome position (GRCh38, 1-based): chr12:31,389,401, G>T on the plus strand (C>A on the coding strand, the complement: DENND5B is on the minus strand). VCF-style: chr12-31389401-G-T. GRCh37 (hg19) VCF-style: chr12-31542335-G-T.
Other names: c.3669C>A, p.Tyr1223Ter (NM_001308339.2); short protein forms Y1188*, Y1223*.
Identifiers: ClinVar variation 3772249 (VCV003772249.13).